The following is an entry in ClinVar:

NM_001904.4(CTNNB1):c.1610T>A (p.Val537Asp)

Genes: CTNNB1 (catenin beta 1; plus strand), LOC126806659 (BRD4-independent group 4 enhancer GRCh37_chr3:41274918-41276117; plus strand). Cytogenetic location: 3p22.1.
Variant type: single nucleotide variant.
Coding change: c.1610T>A on transcript NM_001904.4 (MANE Select); coding-DNA position 1610, T replaced by A.
Protein change: p.Val537Asp; replaces valine 537 with aspartic acid.
Molecular consequence: missense variant.
Genome position (GRCh38, 1-based): chr3:41,234,224, T>A. VCF-style: chr3-41234224-T-A. GRCh37 (hg19) VCF-style: chr3-41275715-T-A.
Other names: c.1610T>A, p.Val537Asp (NM_001098209.2, NM_001098210.2); c.1589T>A, p.Val530Asp (NM_001330729.2); short protein forms V530D, V537D.
Identifiers: ClinVar variation 2134842 (VCV002134842.4), dbSNP rs2470834789, ClinGen allele CA352234269.

ClinVar aggregate classification (germline): Uncertain significance (1 of 4 stars; one submission).

Submission:

Labcorp Genetics (formerly Invitae), Labcorp
Classification: Uncertain significance. Last evaluated: 2022-05-06. Review status: criteria provided, single submitter. Criteria: Invitae Variant Classification Sherloc (09022015). Collection method: clinical testing. Allele origin: germline.
Comment: In summary, the available evidence is currently insufficient to determine the role of this variant in disease. Therefore, it has been classified as a Variant of Uncertain Significance. Algorithms developed to predict the effect of missense changes on protein structure and function are either unavailable or do not agree on the potential impact of this missense change (SIFT: "Deleterious"; PolyPhen-2: "Possibly Damaging"; Align-GVGD: "Class C15"). This variant has not been reported in the literature in individuals affected with CTNNB1-related conditions. This variant is not present in population databases (gnomAD no frequency). This sequence change replaces valine, which is neutral and non-polar, with aspartic acid, which is acidic and polar, at codon 537 of the CTNNB1 protein (p.Val537Asp).